The following is an entry in ClinVar:

ClinVar aggregate classification (germline): Uncertain significance (1 of 4 stars; one submission).

Allele frequency attached by ClinVar (database versions not stated): TOPMed below 0.00001.

Submission:

Labcorp Genetics (formerly Invitae), Labcorp
Classification: Uncertain significance. Last evaluated: 2022-05-25. Review status: criteria provided, single submitter. Criteria: Invitae Variant Classification Sherloc (09022015). Collection method: clinical testing. Allele origin: germline.
Comment: In summary, the available evidence is currently insufficient to determine the role of this variant in disease. Therefore, it has been classified as a Variant of Uncertain Significance. Algorithms developed to predict the effect of sequence changes on RNA splicing suggest that this variant may disrupt the consensus splice site. Algorithms developed to predict the effect of missense changes on protein structure and function (SIFT, PolyPhen-2, Align-GVGD) all suggest that this variant is likely to be tolerated. This variant has not been reported in the literature in individuals affected with OTOGL-related conditions. This variant is not present in population databases (gnomAD no frequency). This sequence change replaces aspartic acid, which is acidic and polar, with asparagine, which is neutral and polar, at codon 59 of the OTOGL protein (p.Asp59Asn).

NM_001378609.3(OTOGL):c.202G>A (p.Asp68Asn)

Gene: OTOGL (otogelin like; plus strand). Cytogenetic location: 12q21.31.
Variant type: single nucleotide variant.
Coding change: c.202G>A on transcript NM_001378609.3 (MANE Select); coding-DNA position 202, G replaced by A.
Protein change: p.Asp68Asn; replaces aspartic acid 68 with asparagine.
Molecular consequence: missense variant.
Genome position (GRCh38, 1-based): chr12:80,217,631, G>A. VCF-style: chr12-80217631-G-A. GRCh37 (hg19) VCF-style: chr12-80611411-G-A.
Other names: c.202G>A, p.Asp68Asn (NM_001368062.3, NM_001378610.3, NM_173591.7); short protein forms D68N.
Identifiers: ClinVar variation 1998687 (VCV001998687.4), dbSNP rs1877869185, ClinGen allele CA385854913.